The following is an entry in ClinVar:

ClinVar aggregate classification (germline): Uncertain significance (1 of 4 stars; one submission).

Conditions:
Methylmalonic acidemia with homocystinuria, type cblX (MAHCX). Also called: INTELLECTUAL DEVELOPMENTAL DISORDER, X-LINKED 3. Identifiers: Orphanet 369962, MedGen C0796208, MONDO:0010657, OMIM 309541.

Submission:

Labcorp Genetics (formerly Invitae), Labcorp
Classification: Uncertain significance for Methylmalonic acidemia with homocystinuria, type cblX. Last evaluated: 2023-12-09. Review status: criteria provided, single submitter. Criteria: Invitae Variant Classification Sherloc (09022015). Collection method: clinical testing. Allele origin: germline.
Comment: This variant, c.5097_5126dup, results in the insertion of 10 amino acid(s) of the HCFC1 protein (p.Gln1699_Gln1708dup), but otherwise preserves the integrity of the reading frame. This variant is not present in population databases (gnomAD no frequency). This variant has not been reported in the literature in individuals affected with HCFC1-related conditions. ClinVar contains an entry for this variant (Variation ID: 1352365). Experimental studies and prediction algorithms are not available or were not evaluated, and the functional significance of this variant is currently unknown. In summary, the available evidence is currently insufficient to determine the role of this variant in disease. Therefore, it has been classified as a Variant of Uncertain Significance.

NM_005334.3(HCFC1):c.5097_5126dup (p.Gln1699_Gln1708dup)

Gene: HCFC1 (host cell factor C1; minus strand). Cytogenetic location: Xq28.
Variant type: Duplication.
Coding change: c.5097_5126dup on transcript NM_005334.3 (MANE Select); coding-DNA positions 5097 to 5126, 30 bases duplicated (GCTGCAGGAGGCCCAGGCCCAGCAGCAGCA).
Protein change: p.Gln1699_Gln1708dup.
Molecular consequence: inframe insertion.
Genome position (GRCh38, 1-based): chrX:153,951,975-153,952,004, TGCTGCTGCTGGGCCTGGGCCTCCTGCAGC duplicated on the plus strand (GCTGCAGGAGGCCCAGGCCCAGCAGCAGCA on the coding strand, the reverse complement: HCFC1 is on the minus strand); duplicating any 30 consecutive bases within chrX:153,951,975-153,952,015 gives the same sequence; the c. name uses the placement nearest the transcript's 3' end. VCF-style (leftmost placement, unchanged base first): chrX-153951974-A-ATGCTGCTGCTGGGCCTGGGCCTCCTGCAGC. GRCh37 (hg19) VCF-style: chrX-153217425-A-ATGCTGCTGCTGGGCCTGGGCCTCCTGCAGC.
Identifiers: ClinVar variation 1352365 (VCV001352365.8), dbSNP rs2148561074, ClinGen allele CA2573159355.